The following is an entry in ClinVar:

NM_000245.4(MET):c.2909G>T (p.Arg970Leu)

Gene: MET (MET proto-oncogene, receptor tyrosine kinase; plus strand). Cytogenetic location: 7q31.2.
Variant type: single nucleotide variant.
Coding change: c.2909G>T on transcript NM_000245.4 (MANE Select); coding-DNA position 2909, G replaced by T.
Protein change: p.Arg970Leu; replaces arginine 970 with leucine.
Molecular consequence: missense variant.
Genome position (GRCh38, 1-based): chr7:116,771,870, G>T. VCF-style: chr7-116771870-G-T. GRCh37 (hg19) VCF-style: chr7-116411924-G-T.
Other names: c.2963G>T, p.Arg988Leu (NM_001127500.3); c.1619G>T, p.Arg540Leu (NM_001324402.2); short protein forms R540L, R970L, R988L.
Identifiers: ClinVar variation 2864000 (VCV002864000.3), dbSNP rs45607832, ClinGen allele CA368986988.
Genomic context (GRCh38, chr7:116,771,870, plus strand): 5'-GCCGTCTTTAACAAGCTCTTTCTTTCTCTCTGTTTTAAGATCTGGGCAGTGAATTAGTTC[G>T]CTACGATGCAAGAGTACACACTCCTCATTTGGATAGGCTTGTAAGTGCCCGAAGTGTAAG-3'
Protein context (NP_000236.2, residues 960-980): QIKDLGSELV[Arg970Leu]YDARVHTPHL

ClinVar aggregate classification (germline): Uncertain significance (1 of 4 stars; one submission).

Conditions:
Renal cell carcinoma. Identifiers: Orphanet 217071, MedGen C0007134, MeSH D002292, MONDO:0005086, HP:0005584.

gnomAD v4.1: 5 of 1,613,734 alleles (0.00031%); highest among the groups gnomAD compares: East Asian, 0.0022%; no homozygotes.

Submission:

Labcorp Genetics (formerly Invitae), Labcorp
Classification: Uncertain significance for Renal cell carcinoma. Last evaluated: 2023-08-11. Review status: criteria provided, single submitter. Criteria: Invitae Variant Classification Sherloc (09022015). Collection method: clinical testing. Allele origin: germline.
Comment: In summary, the available evidence is currently insufficient to determine the role of this variant in disease. Therefore, it has been classified as a Variant of Uncertain Significance. An algorithm developed to predict the effect of missense changes on protein structure and function (PolyPhen-2) suggests that this variant is likely to be disruptive. This variant has not been reported in the literature in individuals affected with MET-related conditions. This variant is not present in population databases (gnomAD no frequency). This sequence change replaces arginine, which is basic and polar, with leucine, which is neutral and non-polar, at codon 988 of the MET protein (p.Arg988Leu).